The following is an entry in ClinVar:

ClinVar aggregate classification (germline): Pathogenic (1 of 4 stars; one submission).

Conditions:
Cardiovascular phenotype. Identifiers: MedGen CN230736.

Submission:

Ambry Genetics
Classification: Pathogenic for Cardiovascular phenotype. Last evaluated: 2023-08-01. Review status: criteria provided, single submitter. Criteria: Ambry Variant Classification Scheme 2023. Collection method: clinical testing. Allele origin: germline.
Comment: The c.1587delC pathogenic mutation, located in coding exon 13 of the DSP gene, results from a deletion of one nucleotide at nucleotide position 1587, causing a translational frameshift with a predicted alternate stop codon (p.Y530Tfs*15). Alterations in DSP that result in haploinsufficiency or protein truncation have been reported in patients with arrhythmogenic right ventricular cardiomyopathy (ARVC) and dilated cardiomyopathy (DCM) (Fressart V et al. Europace. 2010;12(6):861-8; Elliott P et al. Circ Cardiovasc Genet. 2010;3(4):314-22; Quarta G et al. Circulation. 2011;123(23):2701-9; Garcia-Pavia P et al. Heart. 2011;97(21):1744-52; Rasmussen TB et al. Clin Genet. 2013;84(1):20-30; Pugh TJ et al. Genet Med. 2014;16(8):601-8). This variant is considered to be rare based on population cohorts in the Genome Aggregation Database (gnomAD). This alteration is expected to result in loss of function by premature protein truncation or nonsense-mediated mRNA decay. Based on the supporting evidence, this alteration is interpreted as a disease-causing mutation.

NM_004415.4(DSP):c.1587del (p.Tyr530fs)

Gene: DSP (desmoplakin; plus strand). Cytogenetic location: 6p24.3.
Variant type: Deletion.
Coding change: c.1587del on transcript NM_004415.4 (MANE Select); coding-DNA position 1587, one base deleted (C; older notation c.1587delC).
Protein change: p.Tyr530fs; shifts the reading frame from tyrosine 530.
Molecular consequence: frameshift variant.
Genome position (GRCh38, 1-based): chr6:7,570,449, C deleted. VCF-style (leftmost placement, unchanged base first): chr6-7570448-AC-A. GRCh37 (hg19) VCF-style: chr6-7570681-AC-A.
Other names: c.1587del, p.Tyr530fs (NM_001008844.3, NM_001319034.2); short protein forms Y530fs.
Identifiers: ClinVar variation 2587386 (VCV002587386.2), dbSNP rs2533890196, ClinGen allele CA2582341642.